The following is an entry in ClinVar:

ClinVar aggregate classification (germline): Likely benign. Review status: criteria provided, multiple submitters, no conflicts (2 of 4 stars). 2 submissions from 2 submitters: Likely benign (2). Last evaluated 2021-05-19.

Conditions:
Weill-Marchesani 4 syndrome, recessive. Also called: Weill-Marchesani syndrome 4. Identifiers: Orphanet 363992, MedGen C2750787, MONDO:0013176, OMIM 613195.

Allele frequency attached by ClinVar (database versions not stated): 1000 Genomes Project 0.01078; 1000 Genomes Project 30x 0.01187.

Submissions (2):

GeneDx
Classification: Likely benign. Last evaluated: 2021-05-19. Review status: criteria provided, single submitter. Criteria: GeneDx Variant Classification Process June 2021. Collection method: clinical testing. Allele origin: germline. Affected: yes.
Comment: See Variant Classification Assertion Criteria.

Illumina Laboratory Services, Illumina
Classification: Likely benign for Weill-Marchesani 4 syndrome, recessive. Last evaluated: 2017-04-27. Review status: criteria provided, single submitter. Criteria: ICSL Variant Classification Criteria 13 December 2019. Collection method: clinical testing. Allele origin: germline.
Comment: This variant was observed as part of a predisposition screen in an ostensibly healthy population. A literature search was performed for the gene, cDNA change, and amino acid change (where applicable). No publications were found based on this search. Allele frequency data from public databases allowed determination this variant is unlikely to cause disease. Therefore, this variant is classified as likely benign.

NM_139057.4(ADAMTS17):c.*882G>T

Gene: ADAMTS17 (ADAM metallopeptidase with thrombospondin type 1 motif 17; minus strand). Cytogenetic location: 15q26.3.
Variant type: single nucleotide variant.
Coding change: c.*882G>T on transcript NM_139057.4 (MANE Select); 882 bases downstream of the stop codon, G replaced by T.
Molecular consequence: 3 prime UTR variant.
Genome position (GRCh38, 1-based): chr15:99,973,520, C>A on the plus strand (G>T on the coding strand, the complement: ADAMTS17 is on the minus strand). VCF-style: chr15-99973520-C-A. GRCh37 (hg19) VCF-style: chr15-100513725-C-A.
Identifiers: ClinVar variation 315209 (VCV000315209.6), dbSNP rs2581358, ClinGen allele CA10646872.